The following is an entry in ClinVar:

ClinVar aggregate classification (germline): Pathogenic/Likely pathogenic. Review status: criteria provided, multiple submitters, no conflicts (2 of 4 stars). 13 submissions from 13 submitters: Pathogenic (9); Likely pathogenic (1). 3 of the submissions do not count toward it. Last evaluated 2026-09-01.

Conditions:
ALDH7A1-related disorder. Also called: ALDH7A1-related condition.
Pyridoxine-dependent epilepsy (EPEO4). Also called: PYRIDOXINE DEPENDENCY WITH SEIZURES; Pyridoxine-Dependent Epilepsy - ALDH7A1; EPILEPSY, EARLY-ONSET, 4, VITAMIN B6-DEPENDENT; Pyridoxine-Dependent Seizures. Identifiers: Orphanet 3006, MedGen C1849508, MONDO:0009945, OMIM 266100. Disease mechanism: loss of function.
Inborn genetic diseases. Identifiers: MedGen C0950123, MeSH D030342.
Seizure. Also called: Seizures. Identifiers: MedGen C0036572, HP:0001250.

Allele frequency attached by ClinVar (database versions not stated): gnomAD 0.00005 and 0.00004; TOPMed 0.00005.
gnomAD v4.1: 297 of 1,614,056 alleles (0.018%); highest among the groups gnomAD compares: Non-Finnish European, 0.025%; no homozygotes.

Submissions (13):

Ambry Genetics
Classification: Pathogenic for Inborn genetic diseases. Last evaluated: 2026-09-01. Review status: criteria provided, single submitter. Criteria: Ambry Variant Classification Scheme 2023. Collection method: clinical testing. Allele origin: germline.
Comment: The c.834G>A (p.V278V) alteration is located in exon 9 (coding exon 9) of the ALDH7A1 gene. This alteration consists of a G to A substitution at nucleotide position 834. This nucleotide substitution does not change the amino acid at codon 278. Based on data from gnomAD, this allele has an overall frequency of 0.006% (14/251486) total alleles studied. The highest observed frequency was 0.011% (13/113760) of European (non-Finnish) alleles. This variant has been identified in the homozygous state and/or in conjunction with other ALDH7A1 variant(s) in individual(s) with features consistent with ALDH7A1-related pyridoxine-dependent epilepsy; in at least one instance, the variants were identified in trans (Salomons, 2007; Bennett, 2009; Gallagher, 2009; Mills, 2010; Scharer, 2010; Mercimek-Mahmutoglu, 2012; Marguet, 2016). Note, this variant is also referred to as c.750G>A (p.V250V) in the literature. Other variant(s) impacting the same donor site (c.871+1G>A) have been identified in individual(s) with features consistent with ALDH7A1-related pyridoxine-dependent epilepsy (Yuzyuk, 2016). In one study, authors isolated RNA from a homozygous individual to show that this alteration preferentially uses a cryptic donor splice site resulting in an out of frame deletion in exon 9 which leads to the p.Val278Glyfs*23 (also referred to as p.Val250Glyfs*23) frameshift (Salomons, 2007). In silico splice site analysis predicts that this alteration will weaken the native splice donor site and will result in the creation or strengthening of a novel splice donor site. Based on the available evidence, this alteration is classified as pathogenic.

Labcorp Genetics (formerly Invitae), Labcorp
Classification: Pathogenic for Pyridoxine-dependent epilepsy. Last evaluated: 2025-10-29. Review status: criteria provided, single submitter. Criteria: Invitae Variant Classification Sherloc (09022015). Collection method: clinical testing. Allele origin: germline.
Comment: This sequence change affects codon 278 of the ALDH7A1 mRNA. It is a 'silent' change, meaning that it does not change the encoded amino acid sequence of the ALDH7A1 protein. RNA analysis indicates that this variant induces altered splicing and may result in an absent or altered protein product. This variant is present in population databases (rs201948406, gnomAD 0.01%). This variant has been observed in individual(s) with pyridoxine-dependent epilepsy (PMID: 17721876, 19128417, 20554659, 20814824, 22529283, 23022070, 23430810, 24122892, 27438048). In at least one individual the data is consistent with being in trans (on the opposite chromosome) from a pathogenic variant. This variant is also known as c.750G>A. ClinVar contains an entry for this variant (Variation ID: 18002). Studies have shown that this variant results in cryptic splice site activation, and produces a non-functional protein and/or introduces a premature termination codon (PMID: 17721876). For these reasons, this variant has been classified as Pathogenic.

GeneDx
Classification: Pathogenic. Last evaluated: 2025-10-03. Review status: criteria provided, single submitter. Criteria: GeneDx Variant Classification Process June 2021. Collection method: clinical testing. Allele origin: germline. Affected: yes.
Comment: Published functional studies demonstrate a damaging effect, suggesting this variant leads to abnormal gene splicing (PMID: 17721876); Not observed at significant frequency in large population cohorts (gnomAD); This variant is associated with the following publications: (PMID: 23022070, 22529283, 20554659, 36065636, 19128417, 24122892, 17721876, 26026794, 27324284, 23430810, 28973083, 29852413, 24748525, 20814824, 30043187, 31589614, 35782612, 31440721, 27438048)

Mayo Clinic Laboratories, Mayo Clinic
Classification: Pathogenic. Last evaluated: 2025-03-18. Review status: criteria provided, single submitter. Criteria: ACMG Guidelines, 2015. Collection method: clinical testing. Allele origin: germline. Observed: 1 variant allele.
Comment: PP3, PP4, PM2_supporting, PM3_very_strong, PS3_supporting, PS4_moderate

Cytogénomique, Hospices Civils de Lyon
Classification: Pathogenic for Seizure. Last evaluated: 2024-03-01. Review status: criteria provided, single submitter. Criteria: ACMG Guidelines, 2015. Collection method: clinical testing. Allele origin: unknown. Affected: yes.

Women's Health and Genetics/Laboratory Corporation of America, LabCorp
Classification: Pathogenic for Pyridoxine-dependent epilepsy. Last evaluated: 2023-12-08. Review status: criteria provided, single submitter. Criteria: LabCorp Variant Classification Summary - May 2015. Collection method: clinical testing. Allele origin: germline.
Comment: Variant summary: ALDH7A1 c.834G>A alters a non-conserved nucleotide resulting in a synonymous change. Several computational tools predict a significant impact on normal splicing: Four predict the variant strengthens a cryptic 5' donor site. At least one publication reports experimental evidence that this variant affects mRNA splicing (Salomons_2007). The variant allele was found at a frequency of 5.6e-05 in 251486 control chromosomes (gnomAD). This frequency is not significantly higher than estimated for a pathogenic variant in ALDH7A1 causing Pyridoxine-Dependent Epilepsy (5.6e-05 vs 0.0018), allowing no conclusion about variant significance. c.834G>A (also known as c.750G>A. ) has been reported in the literature in multiple individuals affected with Pyridoxine-Dependent Epilepsy (examples: Salomons_2007 and Marguet_2016). These data indicate that the variant is very likely to be associated with disease. The following publications have been ascertained in the context of this evaluation (PMID: 17721876, 27438048). Six submitters have cited clinical-significance assessments for this variant to ClinVar after 2014. All submitters classified the variant as pathogenic/likely pathogenic. Based on the evidence outlined above, the variant was classified as pathogenic.

Blueprint Genetics
Classification: Pathogenic for ALDH7A1-related disorders. Last evaluated: 2023-09-20. Review status: criteria provided, single submitter. Criteria: ACMG Guidelines, 2015. Collection method: clinical testing. Allele origin: germline. Affected: yes. Observed: 5 variant alleles.

Genome-Nilou Lab
Classification: Likely pathogenic for Pyridoxine-dependent epilepsy. Last evaluated: 2023-04-11. Review status: criteria provided, single submitter. Criteria: ACMG Guidelines, 2015. Collection method: clinical testing. Allele origin: germline. Affected: no.

Elsea Laboratory, Baylor College of Medicine
Classification: Pathogenic for Pyridoxine-dependent epilepsy. Last evaluated: 2020-04-01. Review status: criteria provided, single submitter. Criteria: ACMG Guidelines, 2015. Collection method: clinical testing. Allele origin: paternal. Affected: yes.

Eurofins Ntd Llc (ga)
Classification: Pathogenic. Last evaluated: 2016-12-27. Review status: criteria provided, single submitter. Criteria: EGL Classification Definitions 2015. Collection method: clinical testing. Allele origin: germline. Observed: 3 variant alleles, 2 heterozygotes, 1 homozygote.

PreventionGenetics, part of Exact Sciences
Classification: Pathogenic for ALDH7A1-related condition. Last evaluated: 2024-07-07. Review status: no assertion criteria provided. Collection method: clinical testing. Allele origin: germline. Not counted in ClinVar's aggregate classification.
Comment: The ALDH7A1 c.834G>A variant is not predicted to result in an amino acid change (p.=). This variant can also be denoted as c.750G>A (p.Val250Val) using transcript NM_001201377. This variant has been commonly reported in the homozygous and compound heterozygous states in patients with pyridoxine-dependent epilepsy (e.g., Salomons et al. 2007. PubMed ID: 17721876; Bennett et al. 2009. PubMed ID: 19128417; Mills et al. 2010. PubMed ID: 20554659; Mercimek-Mahmutoglu et al. 2012. PubMed ID: 22529283). Splicing prediction programs indicate that the c.834G>A variant strengthens a cryptic splice donor site (SpliceAI, Jaganathan et al. 2019. PubMed ID: 30661751). This variant is reported in 0.011% of alleles in individuals of European (Non-Finnish) descent in gnomAD. This variant is interpreted as pathogenic.

OMIM
Classification: Pathogenic for EPILEPSY, EARLY-ONSET, 4, VITAMIN B6-DEPENDENT. Last evaluated: 2007-10-01. Review status: no assertion criteria provided. Collection method: literature only. Allele origin: germline. Not counted in ClinVar's aggregate classification.

GeneReviews
No classification provided. Condition: Pyridoxine-dependent epilepsy. Review status: no classification provided. Collection method: literature only. Allele origin: germline. Not counted in ClinVar's aggregate classification.
Comment: The 2nd most common pathogenic variant, accounting for 5.4% of pathogenic variants

Literature cited by the submitters: PubMed 17721876 (cited by 7 submitters); PubMed 19128417 (cited by Ambry Genetics and Labcorp Genetics (formerly Invitae), Labcorp); PubMed 19142996 (cited by Ambry Genetics); PubMed 20554659 (cited by Ambry Genetics and Labcorp Genetics (formerly Invitae), Labcorp); PubMed 20814824 (cited by Ambry Genetics and Labcorp Genetics (formerly Invitae), Labcorp); PubMed 22529283 (cited by 4 submitters); PubMed 27324284 (cited by Ambry Genetics); PubMed 27438048 (cited by 5 submitters); PubMed 23022070 (cited by Labcorp Genetics (formerly Invitae), Labcorp and Mayo Clinic Laboratories, Mayo Clinic); PubMed 23430810 (cited by 3 submitters); PubMed 24122892 (cited by Labcorp Genetics (formerly Invitae), Labcorp); PubMed 28973083 (cited by Mayo Clinic Laboratories, Mayo Clinic); PubMed 29852413 (cited by Mayo Clinic Laboratories, Mayo Clinic); PubMed 35782612 (cited by Mayo Clinic Laboratories, Mayo Clinic); PubMed 24748525 (cited by Eurofins Ntd Llc (ga)); PubMed 30043187 (cited by GeneReviews); PubMed 20301659 (cited by GeneReviews).

NM_001182.5(ALDH7A1):c.834G>A (p.Val278=)

Gene: ALDH7A1 (aldehyde dehydrogenase 7 family member A1; minus strand). Cytogenetic location: 5q23.2.
Variant type: single nucleotide variant.
Coding change: c.834G>A on transcript NM_001182.5 (MANE Select); coding-DNA position 834, G replaced by A.
Protein change: p.Val278=; no amino-acid change (valine 278 retained).
Molecular consequence: synonymous variant.
Genome position (GRCh38, 1-based): chr5:126,568,296, C>T on the plus strand (G>A on the coding strand, the complement: ALDH7A1 is on the minus strand). VCF-style: chr5-126568296-C-T. GRCh37 (hg19) VCF-style: chr5-125903988-C-T.
Other names: p.Val278=; 750G-A; c.750G>A, p.Val250= (NM_001201377.2); c.834G>A, p.Val278= (NM_001202404.2).
Identifiers: ClinVar variation 18002 (VCV000018002.33), dbSNP rs201948406, ClinGen allele CA3389640.